The following is an entry in ClinVar:

ClinVar aggregate classification (germline): Uncertain significance. Review status: criteria provided, multiple submitters, no conflicts (2 of 4 stars). 2 submissions from 2 submitters: Uncertain significance (2). Last evaluated 2021-08-13.

Conditions:
Inborn genetic diseases. Identifiers: MedGen C0950123, MeSH D030342.
Isolated microphthalmia 2. Identifiers: Orphanet 2542, MedGen C1864720, MONDO:0012409, OMIM 610093.

Allele frequency attached by ClinVar (database versions not stated): ExAC 0.00001; gnomAD exomes 0.00001; TOPMed 0.00001; ESP Exome Variant Server 0.00008.

Submissions (2):

Ambry Genetics
Classification: Uncertain significance for Inborn genetic diseases. Last evaluated: 2021-08-13. Review status: criteria provided, single submitter. Criteria: Ambry Variant Classification Scheme 2023. Collection method: clinical testing. Allele origin: germline.

Labcorp Genetics (formerly Invitae), Labcorp
Classification: Uncertain significance for Isolated microphthalmia 2. Last evaluated: 2021-08-13. Review status: criteria provided, single submitter. Criteria: Invitae Variant Classification Sherloc (09022015). Collection method: clinical testing. Allele origin: germline.
Comment: This sequence change replaces arginine with glutamine at codon 206 of the VSX2 protein (p.Arg206Gln). The arginine residue is highly conserved and there is a small physicochemical difference between arginine and glutamine. This variant is present in population databases (rs138619416, ExAC 0.001%). This variant has not been reported in the literature in individuals affected with VSX2-related conditions. Algorithms developed to predict the effect of missense changes on protein structure and function (SIFT, PolyPhen-2, Align-GVGD) all suggest that this variant is likely to be disruptive. In summary, the available evidence is currently insufficient to determine the role of this variant in disease. Therefore, it has been classified as a Variant of Uncertain Significance.

NM_182894.3(VSX2):c.617G>A (p.Arg206Gln)

Gene: VSX2 (visual system homeobox 2; plus strand). Cytogenetic location: 14q24.3.
Variant type: single nucleotide variant.
Coding change: c.617G>A on transcript NM_182894.3 (MANE Select); coding-DNA position 617, G replaced by A.
Protein change: p.Arg206Gln; replaces arginine 206 with glutamine.
Molecular consequence: missense variant.
Genome position (GRCh38, 1-based): chr14:74,259,639, G>A. VCF-style: chr14-74259639-G-A. GRCh37 (hg19) VCF-style: chr14-74726342-G-A.
Other names: c.617G>A (NM_182894.2); short protein forms R206Q.
Identifiers: ClinVar variation 2196314 (VCV002196314.2), dbSNP rs138619416, ClinGen allele CA7266400.